The following is an entry in ClinVar:

ClinVar aggregate classification (germline): Likely pathogenic (1 of 4 stars; one submission).

Conditions:
Cystic fibrosis (CF). Also called: MUCOVISCIDOSIS. Identifiers: Orphanet 586, MedGen C0010674, MONDO:0009061, OMIM 219700. Disease mechanism: loss of function.

Submission:

Labcorp Genetics (formerly Invitae), Labcorp
Classification: Likely pathogenic for Cystic fibrosis. Last evaluated: 2020-10-16. Review status: criteria provided, single submitter. Criteria: Invitae Variant Classification Sherloc (09022015). Collection method: clinical testing. Allele origin: germline.
Comment: In summary, the currently available evidence indicates that the variant is pathogenic, but additional data are needed to prove that conclusively. Therefore, this variant has been classified as Likely Pathogenic. This variant disrupts the p.Ile1234 amino acid residue in CFTR. Other variant(s) that disrupt this residue have been determined to be pathogenic (PMID: 12630722, 10923036, 12815607). This suggests that this residue is clinically significant, and that variants that disrupt this residue are likely to be disease-causing. This variant has been observed in individual(s) with cystic fibrosis (PMID: 23687349). This variant is a gross deletion of the genomic region encompassing exon(s) 22 of the CFTR gene. This variant would be expected to be in-frame, preserving the integrity of the reading frame.

Literature cited by the submitters: PubMed 12630722; PubMed 10923036; PubMed 12815607; PubMed 23687349.

NC_000007.13:g.(?_117267556)_(117267869_?)del

Gene: CFTR (CF transmembrane conductance regulator; plus strand). Cytogenetic location: 7q31.2.
Variant type: Deletion.
Identifiers: ClinVar variation 1067529 (VCV001067529.5).